The following is an entry in ClinVar:

ClinVar aggregate classification (germline): Uncertain significance (1 of 4 stars; one submission).

Allele frequency attached by ClinVar (database versions not stated): TOPMed 0.00002.

Submission:

GeneDx
Classification: Uncertain significance. Last evaluated: 2019-03-31. Review status: criteria provided, single submitter. Criteria: GeneDx Variant Classification Process June 2021. Collection method: clinical testing. Allele origin: germline. Affected: yes.
Comment: Not observed at a significant frequency in large population cohorts (Lek et al., 2016); In silico analysis, which includes protein predictors and evolutionary conservation, supports a deleterious effect; Has not been previously published as pathogenic or benign to our knowledge

NM_005609.4(PYGM):c.1525G>A (p.Gly509Arg)

Gene: PYGM (glycogen phosphorylase, muscle associated; minus strand). Cytogenetic location: 11q13.1.
Variant type: single nucleotide variant.
Coding change: c.1525G>A on transcript NM_005609.4 (MANE Select); coding-DNA position 1525, G replaced by A.
Protein change: p.Gly509Arg; replaces glycine 509 with arginine.
Molecular consequence: missense variant.
Genome position (GRCh38, 1-based): chr11:64,752,498, C>T on the plus strand (G>A on the coding strand, the complement: PYGM is on the minus strand). VCF-style: chr11-64752498-C-T. GRCh37 (hg19) VCF-style: chr11-64519970-C-T.
Other names: c.1261G>A, p.Gly421Arg (NM_001164716.1); short protein forms G421R, G509R.
Identifiers: ClinVar variation 1308361 (VCV001308361.2), dbSNP rs755309894, ClinGen allele CA223899463.